The following is an entry in ClinVar:

ClinVar aggregate classification (germline): Pathogenic/Likely pathogenic. Review status: criteria provided, multiple submitters, no conflicts (2 of 4 stars). 4 submissions from 4 submitters: Pathogenic (2); Likely pathogenic (2). Last evaluated 2025-08-08.

Conditions:
Cardiovascular phenotype. Identifiers: MedGen CN230736.
Arrhythmogenic cardiomyopathy with wooly hair and keratoderma. Also called: Arrhythmogenic cardiomyopathy with woolly hair and keratoderma; Carvajal syndrome; Dilated cardiomyopathy with woolly hair and keratoderma; PALMOPLANTAR KERATODERMA WITH LEFT VENTRICULAR CARDIOMYOPATHY AND WOOLLY HAIR. Identifiers: Orphanet 65282, MedGen C1854063, MONDO:0011581, OMIM 605676.
Arrhythmogenic right ventricular dysplasia 8 (ARVD8). Also called: ARRHYTHMOGENIC RIGHT VENTRICULAR DYSPLASIA, FAMILIAL, 8; ARRHYTHMOGENIC RIGHT VENTRICULAR CARDIOMYOPATHY 8; Arrhythmogenic Right Ventricular Dysplasia/Cardiomyopathy 8. Identifiers: MedGen C1843896, MONDO:0011831, OMIM 607450.
Cardiomyopathy (CMYO). Also called: Cardiomyopathies. Identifiers: Orphanet 167848, MedGen C0878544, MONDO:0004994, HP:0001638. Inheritance: Various modes of inheritance.

Submissions (4):

Labcorp Genetics (formerly Invitae), Labcorp
Classification: Pathogenic for Arrhythmogenic cardiomyopathy with wooly hair and keratoderma; Arrhythmogenic right ventricular dysplasia 8. Last evaluated: 2025-08-08. Review status: criteria provided, single submitter. Criteria: Invitae Variant Classification Sherloc (09022015). Collection method: clinical testing. Allele origin: germline.
Comment: This sequence change creates a premature translational stop signal (p.Tyr41*) in the DSP gene. It is expected to result in an absent or disrupted protein product. Loss-of-function variants in DSP are known to be pathogenic (PMID: 20716751, 24503780, 25227139). This variant is not present in population databases (gnomAD no frequency). This variant has not been reported in the literature in individuals affected with DSP-related conditions. ClinVar contains an entry for this variant (Variation ID: 388263). For these reasons, this variant has been classified as Pathogenic.

Color Diagnostics, LLC DBA Color Health
Classification: Pathogenic for Cardiomyopathy. Last evaluated: 2021-10-04. Review status: criteria provided, single submitter. Criteria: ACMG Guidelines, 2015. Collection method: clinical testing. Allele origin: germline.
Comment: This variant changes 1 nucleotide in exon 1 of the DSP gene, creating a premature translation stop signal. This variant is expected to result in an absent or non-functional protein product. To our knowledge, this variant has not been reported in individuals affected with cardiovascular disorders in the literature. This variant has not been identified in the general population by the Genome Aggregation Database (gnomAD). Loss of DSP function is a known mechanism of disease. Based on the available evidence, this variant is classified as Pathogenic.

Ambry Genetics
Classification: Likely pathogenic for Cardiovascular phenotype. Last evaluated: 2020-11-19. Review status: criteria provided, single submitter. Criteria: Ambry Variant Classification Scheme 2023. Collection method: clinical testing. Allele origin: germline.
Comment: The p.Y41* variant (also known as c.123C>G), located in coding exon 1 of the DSP gene, results from a C to G substitution at nucleotide position 123. This changes the amino acid from a tyrosine to a stop codon within coding exon 1. The predicted stop codon occurs within the first 150 nucleotides of theDSP gene. This alteration may escape nonsense-mediated mRNAdecay and/or be rescued by re-initiation (Rivas et al. Science. 2015 May 8;348(6235):666-9; Lindeboom et al. Nat Genet. 2016 Oct;48(10):1112-8; Rhee et al. Sci Rep. 2017 May 10;7(1):1653). However, direct evidence of nonsense-mediated mRNA decay escape or re-initiation is currently unavailable. Futhermore, alterations in DSP that result in haploinsufficiency or protein truncation have been reported in patients with arrhythmogenic right ventricular cardiomyopathy (ARVC) and dilated cardiomyopathy (DCM) (Fressart V et al. Europace. 2010;12(6):861-8; Elliott P et al. Circ Cardiovasc Genet. 2010;3(4):314-22; Quarta G et al. Circulation. 2011;123(23):2701-9; Garcia-Pavia P et al. Heart. 2011;97(21):1744-52; Rasmussen TB et al. Clin Genet. 2013;84(1):20-30; Pugh TJ et al. Genet Med. 2014;16(8):601-8). Based on the majority of available evidence to date, this variant is likely to be pathogenic.

GeneDx
Classification: Likely pathogenic. Last evaluated: 2017-10-30. Review status: criteria provided, single submitter. Criteria: GeneDx Variant Classification (06012015). Collection method: clinical testing. Allele origin: germline. Affected: yes.
Comment: The Y41X variant in the DSP gene has not been reported as a pathogenic variant or as a benign variant to our knowledge. Y41X is predicted to cause loss of normal protein function either by protein truncation or nonsense-mediated mRNA decay. Multiple other downstream nonsense variants in the DSP gene have been reported in HGMD in association with cardiomyopathy (Stenson et al., 2014). Furthermore, the Y41X variant was not observed in approximately 6,400 individuals of European and African American ancestry in the NHLBI Exome Sequencing Project, indicating it is not a common benign variant in these populations.In summary, Y41X in the DSP gene is expected to be pathogenic.

Literature cited by the submitters: PubMed 20716751 (cited by Labcorp Genetics (formerly Invitae), Labcorp); PubMed 24503780 (cited by Labcorp Genetics (formerly Invitae), Labcorp); PubMed 25227139 (cited by Labcorp Genetics (formerly Invitae), Labcorp).

NM_004415.4(DSP):c.123C>G (p.Tyr41Ter)

Genes: DSP-AS1 (DSP antisense RNA 1; minus strand), DSP (desmoplakin; plus strand). Cytogenetic location: 6p24.3.
Variant type: single nucleotide variant.
Coding change: c.123C>G on transcript NM_004415.4 (MANE Select); coding-DNA position 123, C replaced by G.
Protein change: p.Tyr41Ter; replaces tyrosine 41 with a stop codon.
Molecular consequence: nonsense.
Genome position (GRCh38, 1-based): chr6:7,542,038, C>G. VCF-style: chr6-7542038-C-G. GRCh37 (hg19) VCF-style: chr6-7542271-C-G.
Other names: c.123C>G (LRG_423t1); c.123C>G, p.Tyr41Ter (NM_001008844.3, NM_001319034.2); short protein forms Y41*.
Identifiers: ClinVar variation 388263 (VCV000388263.18), dbSNP rs1057523045, ClinGen allele CA16605117.